The following is an entry in ClinVar:

NM_001005361.3(DNM2):c.2437C>T (p.Pro813Ser)

Gene: DNM2 (dynamin 2; plus strand). Cytogenetic location: 19p13.2.
Variant type: single nucleotide variant.
Coding change: c.2437C>T on transcript NM_001005361.3 (MANE Select); coding-DNA position 2437, C replaced by T.
Protein change: p.Pro813Ser; replaces proline 813 with serine.
Molecular consequence: missense variant.
Genome position (GRCh38, 1-based): chr19:10,830,272, C>T. VCF-style: chr19-10830272-C-T. GRCh37 (hg19) VCF-style: chr19-10940948-C-T.
Other names: c.2437C>T, p.Pro813Ser (NM_001005360.3, NM_001190716.2); c.2425C>T, p.Pro809Ser (NM_001005362.3, NM_004945.4); short protein forms P809S, P813S.
Identifiers: ClinVar variation 968543 (VCV000968543.9), dbSNP rs2073292666, ClinGen allele CA404044032.

ClinVar aggregate classification (germline): Uncertain significance (1 of 4 stars; one submission).

Conditions:
Charcot-Marie-Tooth disease dominant intermediate B (CMTDIB). Also called: CHARCOT-MARIE-TOOTH NEUROPATHY, DOMINANT INTERMEDIATE B; Charcot-Marie-Tooth disease dominant intermediate 1; CMT DI1; Charcot-Marie-Tooth disease dominant intermediate I. Identifiers: Orphanet 100044, Orphanet 228179, MedGen C1847902, MONDO:0011674, OMIM 606482.

Submission:

Labcorp Genetics (formerly Invitae), Labcorp
Classification: Uncertain significance for Charcot-Marie-Tooth disease dominant intermediate B. Last evaluated: 2019-11-17. Review status: criteria provided, single submitter. Criteria: Invitae Variant Classification Sherloc (09022015). Collection method: clinical testing. Allele origin: germline.
Comment: In summary, the available evidence is currently insufficient to determine the role of this variant in disease. Therefore, it has been classified as a Variant of Uncertain Significance. Algorithms developed to predict the effect of sequence changes on RNA splicing suggest that this variant may create or strengthen a splice site, but this prediction has not been confirmed by published transcriptional studies. Algorithms developed to predict the effect of missense changes on protein structure and function are either unavailable or do not agree on the potential impact of this missense change (SIFT: "Deleterious"; PolyPhen-2: "Probably Damaging"; Align-GVGD: "Class C0"). This variant has not been reported in the literature in individuals with DNM2-related conditions. This variant is not present in population databases (ExAC no frequency). This sequence change replaces proline with serine at codon 813 of the DNM2 protein (p.Pro813Ser). The proline residue is highly conserved and there is a moderate physicochemical difference between proline and serine.